The following is an entry in ClinVar:

NM_005546.4(ITK):c.1232+112C>T

Gene: ITK (IL2 inducible T cell kinase; plus strand). Cytogenetic location: 5q33.3.
Variant type: single nucleotide variant.
Coding change: c.1232+112C>T on transcript NM_005546.4 (MANE Select); 112 bases into the intron after coding-DNA position 1232, C replaced by T.
Molecular consequence: intron variant.
Genome position (GRCh38, 1-based): chr5:157,243,906, C>T. VCF-style: chr5-157243906-C-T. GRCh37 (hg19) VCF-style: chr5-156670916-C-T.
Identifiers: ClinVar variation 1263333 (VCV001263333.4), dbSNP rs66943334, ClinGen allele CA11986242.

ClinVar aggregate classification (germline): Benign. Review status: criteria provided, multiple submitters, no conflicts (2 of 4 stars). 2 submissions from 2 submitters: Benign (2). Last evaluated 2023-11-12.

Allele frequency attached by ClinVar (database versions not stated): 1000 Genomes Project 0.10803; 1000 Genomes Project 30x 0.10962; gnomAD 0.15269 and 0.15472; TOPMed 0.15436.
gnomAD v4.1: 165,024 of 975,082 alleles (17%); highest among the groups gnomAD compares: Admixed American, 25%; 15,465 homozygotes.

Submissions (2):

Unidad de Genómica Garrahan, Hospital de Pediatría Garrahan
Classification: Benign. Last evaluated: 2023-11-12. Review status: criteria provided, single submitter. Criteria: ACMG Guidelines, 2015. Collection method: clinical testing. Allele origin: germline. Affected: no. Observed: 36 variant alleles.
Comment: This variant is classified as Benign based on local population frequency. This variant was detected in 38% of patients studied by a panel of primary immunodeficiencies. Number of patients: 36. Only high quality variants are reported.

GeneDx
Classification: Benign. Last evaluated: 2021-05-12. Review status: criteria provided, single submitter. Criteria: GeneDx Variant Classification Process June 2021. Collection method: clinical testing. Allele origin: germline. Affected: yes.